The following is an entry in ClinVar:

ClinVar aggregate classification (germline): Pathogenic/Likely pathogenic. Review status: criteria provided, multiple submitters, no conflicts (2 of 4 stars). 2 submissions from 2 submitters: Pathogenic (1); Likely pathogenic (1). Last evaluated 2025-12-24.

Conditions:
DGUOK-related disorder. Also called: DGUOK-related condition.

Allele frequency attached by ClinVar (database versions not stated): gnomAD exomes below 0.00001; TOPMed below 0.00001; ExAC 0.00001.

Submissions (2):

PreventionGenetics, part of Exact Sciences
Classification: Likely pathogenic for DGUOK-related condition. Last evaluated: 2025-12-24. Review status: criteria provided, single submitter. Criteria: ACMG Guidelines, 2015. Collection method: clinical testing. Allele origin: germline.
Comment: The DGUOK c.2T>C variant is predicted to disrupt the translation initiation site (Start Loss). This variant has been reported in the homozygous state or with a second DGUOK variant in multiple individuals with mitochondrial DNA depletion syndrome with liver involvement (Slama et al. 2005. PubMed ID: 16263314; Fang et al. 2017. PubMed ID: 29137425; Table S1, Manzoni et al. 2024. PubMed ID: 38756539). This variant is reported in 0.0033% of alleles in individuals of South Asian descent in gnomAD. Alternate nucleotide substitutions affecting the same initiation codon (c.1A>G and c.3G>A) have also been reported in multiple individuals with deoxyguanosine kinase deficiency (Freisinger et al. 2006. PubMed ID: 16908739; Lipiński et al. 2020. PubMed ID: 32793533; Ramboux et al. 2023. PubMed ID: 37775787). Taken together, the c.2T>C variant is interpreted as likely pathogenic.

Labcorp Genetics (formerly Invitae), Labcorp
Classification: Pathogenic. Last evaluated: 2025-02-14. Review status: criteria provided, single submitter. Criteria: Invitae Variant Classification Sherloc (09022015). Collection method: clinical testing. Allele origin: germline.
Comment: This sequence change affects the initiator methionine of the DGUOK mRNA. The next in-frame methionine is located at codon 18. This variant is present in population databases (rs757874547, gnomAD 0.003%). Disruption of the initiator codon has been observed in individuals with mitochondrial DNA depletion syndrome (PMID: 16263314, 16908739, 32278775, 32793533). ClinVar contains an entry for this variant (Variation ID: 2734235). For these reasons, this variant has been classified as Pathogenic.

Literature cited by the submitters: PubMed 16263314 (cited by Labcorp Genetics (formerly Invitae), Labcorp); PubMed 16908739 (cited by Labcorp Genetics (formerly Invitae), Labcorp); PubMed 32278775 (cited by Labcorp Genetics (formerly Invitae), Labcorp); PubMed 32793533 (cited by Labcorp Genetics (formerly Invitae), Labcorp).

NM_080916.3(DGUOK):c.2T>C (p.Met1Thr)

Genes: DGUOK (deoxyguanosine kinase; plus strand), LOC129934096 (ATAC-STARR-seq lymphoblastoid active region 16036; plus strand). Cytogenetic location: 2p13.1.
Variant type: single nucleotide variant.
Coding change: c.2T>C on transcript NM_080916.3 (MANE Select); coding-DNA position 2, T replaced by C.
Protein change: p.Met1Thr; changes the start codon (methionine 1).
Molecular consequence: missense variant, initiator codon variant. On other transcripts: 5 prime UTR variant (4), non-coding transcript variant (6).
Genome position (GRCh38, 1-based): chr2:73,926,912, T>C. VCF-style: chr2-73926912-T-C. GRCh37 (hg19) VCF-style: chr2-74154039-T-C.
Other names: c.2T>C, p.Met1Thr (NM_001318859.2, NM_080918.3); c.-177T>C (NM_001318860.2, NM_001318863.2); c.-263T>C (NM_001318861.2, NM_001318862.2); c.2T>C (NM_080916.2); short protein forms M1T.
Identifiers: ClinVar variation 2734235 (VCV002734235.4), dbSNP rs757874547, ClinGen allele CA1718120.